The following is an entry in ClinVar:

NM_003500.4(ACOX2):c.197A>G (p.Lys66Arg)

Gene: ACOX2 (acyl-CoA oxidase 2; minus strand). Cytogenetic location: 3p14.3.
Variant type: single nucleotide variant.
Coding change: c.197A>G on transcript NM_003500.4 (MANE Select); coding-DNA position 197, A replaced by G.
Protein change: p.Lys66Arg; replaces lysine 66 with arginine.
Molecular consequence: missense variant.
Genome position (GRCh38, 1-based): chr3:58,534,486, T>C on the plus strand (A>G on the coding strand, the complement: ACOX2 is on the minus strand). VCF-style: chr3-58534486-T-C. GRCh37 (hg19) VCF-style: chr3-58520213-T-C.
Other names: short protein forms K66R.
Identifiers: ClinVar variation 4991097 (VCV004991097.1).

ClinVar aggregate classification (germline): Uncertain significance (1 of 4 stars; one submission).

Conditions:
ACOX2-related disorder. Also called: ACOX2-related condition.

Submission:

PreventionGenetics, part of Exact Sciences
Classification: Uncertain significance for ACOX2-related condition. Last evaluated: 2025-09-09. Review status: criteria provided, single submitter. Criteria: ACMG Guidelines, 2015. Collection method: clinical testing. Allele origin: germline.
Comment: The ACOX2 c.197A>G variant is predicted to result in the amino acid substitution p.Lys66Arg. To our knowledge, this variant has not been reported in the literature or in a large population database (gnomAD), indicating this variant is rare. At this time, the clinical significance of this variant is uncertain due to the absence of conclusive functional and genetic evidence.